The following is an entry in ClinVar:

NM_005896.4(IDH1):c.688A>T (p.Ile230Leu)

Gene: IDH1 (isocitrate dehydrogenase (NADP(+)) 1; minus strand). Cytogenetic location: 2q34.
Variant type: single nucleotide variant.
Coding change: c.688A>T on transcript NM_005896.4 (MANE Select); coding-DNA position 688, A replaced by T.
Protein change: p.Ile230Leu; replaces isoleucine 230 with leucine.
Molecular consequence: missense variant.
Genome position (GRCh38, 1-based): chr2:208,243,437, T>A on the plus strand (A>T on the coding strand, the complement: IDH1 is on the minus strand). VCF-style: chr2-208243437-T-A. GRCh37 (hg19) VCF-style: chr2-209108161-T-A.
Other names: c.688A>T, p.Ile230Leu (NM_001282386.1, NM_001282387.1); short protein forms I230L.
Identifiers: ClinVar variation 3527496 (VCV003527496.2).

ClinVar aggregate classification (germline): Uncertain significance. Review status: criteria provided, multiple submitters, no conflicts (2 of 4 stars). 2 submissions from 2 submitters: Uncertain significance (2). Last evaluated 2026-08-01.

Submissions (2):

CeGaT Center for Human Genetics Tuebingen
Classification: Uncertain significance. Last evaluated: 2026-08-01. Review status: criteria provided, single submitter. Criteria: CeGaT Center For Human Genetics Tuebingen Variant Classification Criteria Version 2. Collection method: clinical testing. Allele origin: germline. Affected: yes. Observed: 1 variant allele.
Comment: IDH1: PM2

Ambry Genetics
Classification: Uncertain significance. Last evaluated: 2024-09-12. Review status: criteria provided, single submitter. Criteria: Ambry Variant Classification Scheme 2023. Collection method: clinical testing. Allele origin: germline.
Comment: The p.I230L variant (also known as c.688A>T), located in coding exon 4 of the IDH1 gene, results from an A to T substitution at nucleotide position 688. The isoleucine at codon 230 is replaced by leucine, an amino acid with highly similar properties. This amino acid position is conserved. In addition, the in silico prediction for this alteration is inconclusive. Based on the available evidence, the clinical significance of this variant remains unclear.